The following is an entry in ClinVar:

ClinVar aggregate classification (germline): Conflicting classifications of pathogenicity. Review status: criteria provided, conflicting classifications (1 of 4 stars). 2 submissions from 2 submitters: Uncertain significance (1); Likely benign (1). Last evaluated 2026-01-07.

Conditions:
Nail-patella syndrome (NPS). Also called: FONG DISEASE; ONYCHOOSTEODYSPLASIA; TURNER-KIESER SYNDROME. Identifiers: Orphanet 2614, MedGen C0027341, MONDO:0008061, OMIM 161200.
Nail-patella-like renal disease. Also called: GLOMERULAR BASEMENT MEMBRANE DISEASE, NAIL-PATELLA SYNDROME TYPE; Focal Segmental Glomerulosclerosis 10. Identifiers: Orphanet 2613, MedGen C0403548, MONDO:0009724, OMIM 256020.

Allele frequency attached by ClinVar (database versions not stated): TOPMed 0.00007.

Submissions (2):

Labcorp Genetics (formerly Invitae), Labcorp
Classification: Uncertain significance. Last evaluated: 2026-01-07. Review status: criteria provided, single submitter. Criteria: Invitae Variant Classification Sherloc (09022015). Collection method: clinical testing. Allele origin: germline.
Comment: This sequence change replaces arginine, which is basic and polar, with cysteine, which is neutral and slightly polar, at codon 151 of the LMX1B protein (p.Arg151Cys). This variant is present in population databases (rs149434820, gnomAD 0.03%), and has an allele count higher than expected for a pathogenic variant. This variant has not been reported in the literature in individuals affected with LMX1B-related conditions. ClinVar contains an entry for this variant (Variation ID: 1023525). Invitae Evidence Modeling of protein sequence and biophysical properties (such as structural, functional, and spatial information, amino acid conservation, physicochemical variation, residue mobility, and thermodynamic stability) indicates that this missense variant is not expected to disrupt LMX1B protein function with a negative predictive value of 80%. In summary, the available evidence is currently insufficient to determine the role of this variant in disease. Therefore, it has been classified as a Variant of Uncertain Significance.

Fulgent Genetics
Classification: Likely benign for Nail-patella syndrome; Nail-patella-like renal disease. Last evaluated: 2024-02-06. Review status: criteria provided, single submitter. Criteria: ACMG Guidelines, 2015. Collection method: clinical testing. Allele origin: germline.

NM_001174147.2(LMX1B):c.451C>T (p.Arg151Cys)

Gene: LMX1B (LIM homeobox transcription factor 1 beta; plus strand). Cytogenetic location: 9q33.3.
Variant type: single nucleotide variant.
Coding change: c.451C>T on transcript NM_001174147.2 (MANE Select); coding-DNA position 451, C replaced by T.
Protein change: p.Arg151Cys; replaces arginine 151 with cysteine.
Molecular consequence: missense variant.
Genome position (GRCh38, 1-based): chr9:126,690,960, C>T. VCF-style: chr9-126690960-C-T. GRCh37 (hg19) VCF-style: chr9-129453239-C-T.
Other names: c.451C>T, p.Arg151Cys (NM_001174146.2, NM_002316.4); short protein forms R151C.
Identifiers: ClinVar variation 1023525 (VCV001023525.11), dbSNP rs149434820, ClinGen allele CA5242314.